The following is an entry in ClinVar:

ClinVar aggregate classification (germline): Uncertain significance (1 of 4 stars; one submission).

Conditions:
Hereditary cancer-predisposing syndrome. Also called: Tumor predisposition; Hereditary neoplastic syndrome; Hereditary Cancer Syndrome; Neoplastic Syndromes, Hereditary. Identifiers: Orphanet 140162, MedGen C0027672, MeSH D009386, MONDO:0015356.

Submission:

Ambry Genetics
Classification: Uncertain significance for Hereditary cancer-predisposing syndrome. Last evaluated: 2025-03-24. Review status: criteria provided, single submitter. Criteria: Ambry Variant Classification Scheme 2023. Collection method: clinical testing. Allele origin: germline.
Comment: The c.2883A>C variant (also known as p.P961P), located in coding exon 25 of the TSC2 gene, results from an A to C substitution at nucleotide position 2883. This nucleotide substitution does not change the amino acid at codon 961. This nucleotide position is not well conserved in available vertebrate species. In silico splice site analysis for this alteration is inconclusive. Based on the available evidence, the clinical significance of this variant remains unclear.

NM_000548.5(TSC2):c.2883A>C (p.Pro961=)

Gene: TSC2 (TSC complex subunit 2; plus strand). Cytogenetic location: 16p13.3.
Variant type: single nucleotide variant.
Coding change: c.2883A>C on transcript NM_000548.5 (MANE Select); coding-DNA position 2883, A replaced by C.
Protein change: p.Pro961=; no amino-acid change (proline 961 retained).
Molecular consequence: synonymous variant. On other transcripts: intron variant (31).
Genome position (GRCh38, 1-based): chr16:2,077,643, A>C. VCF-style: chr16-2077643-A-C. GRCh37 (hg19) VCF-style: chr16-2127644-A-C.
Other names: c.1539A>C, p.Pro513= (NM_001406689.1); c.1493+1058A>C (NM_001406693.1, NM_001406690.1, NM_001406692.1 and 5 more transcripts); c.2927+1058A>C (NM_001406667.1, NM_001406668.1); c.2237+1058A>C (NM_001406687.1, NM_001406685.1, NM_001318831.2 and 2 more transcripts); c.1235+1058A>C (NM_001406698.1); c.2837+1058A>C (NM_021055.3, NM_001370405.1, NM_001363528.2 and 3 more transcripts); c.2825+1058A>C (NM_001406671.1, NM_001406673.1); c.2375+1058A>C (NM_001406681.1); and 8 more.
Identifiers: ClinVar variation 3974624 (VCV003974624.1).